The following is an entry in ClinVar:

NM_020442.6(VARS2):c.2375A>G (p.Glu792Gly)

Genes: VARS2 (valyl-tRNA synthetase 2, mitochondrial; plus strand), LOC126859646 (MED14-independent group 3 enhancer GRCh37_chr6:30889690-30890889; plus strand). Cytogenetic location: 6p21.33.
Variant type: single nucleotide variant.
Coding change: c.2375A>G on transcript NM_020442.6 (MANE Select); coding-DNA position 2375, A replaced by G.
Protein change: p.Glu792Gly; replaces glutamic acid 792 with glycine.
Molecular consequence: missense variant.
Genome position (GRCh38, 1-based): chr6:30,923,414, A>G. VCF-style: chr6-30923414-A-G. GRCh37 (hg19) VCF-style: chr6-30891191-A-G.
Other names: c.1955A>G, p.Glu652Gly (NM_001167733.3); c.2465A>G, p.Glu822Gly (NM_001167734.2); short protein forms E822G, E792G, E652G.
Identifiers: ClinVar variation 1430233 (VCV001430233.32), dbSNP rs368546838, ClinGen allele CA3706253.

ClinVar aggregate classification (germline): Conflicting classifications of pathogenicity. Review status: criteria provided, conflicting classifications (1 of 4 stars). 4 submissions from 4 submitters: Uncertain significance (3); Likely benign (1). Last evaluated 2026-01-26.

Conditions:
Inborn genetic diseases. Identifiers: MedGen C0950123, MeSH D030342.

Allele frequency attached by ClinVar (database versions not stated): gnomAD 0.00011 and 0.00012; ESP Exome Variant Server 0.00012; gnomAD exomes 0.00012 and 0.00015; ExAC 0.00013; TOPMed 0.00014.
gnomAD v4.1: 228 of 1,612,152 alleles (0.014%); highest among the groups gnomAD compares: Non-Finnish European, 0.019%; no homozygotes.

Submissions (4):

Labcorp Genetics (formerly Invitae), Labcorp
Classification: Uncertain significance. Last evaluated: 2026-01-26. Review status: criteria provided, single submitter. Criteria: Invitae Variant Classification Sherloc (09022015). Collection method: clinical testing. Allele origin: germline.
Comment: This sequence change replaces glutamic acid, which is acidic and polar, with glycine, which is neutral and non-polar, at codon 822 of the VARS2 protein (p.Glu822Gly). This variant is present in population databases (rs368546838, gnomAD 0.02%). This variant has not been reported in the literature in individuals affected with VARS2-related conditions. ClinVar contains an entry for this variant (Variation ID: 1430233). Invitae Evidence Modeling of protein sequence and biophysical properties (such as structural, functional, and spatial information, amino acid conservation, physicochemical variation, residue mobility, and thermodynamic stability) indicates that this missense variant is not expected to disrupt VARS2 protein function with a negative predictive value of 80%. In summary, the available evidence is currently insufficient to determine the role of this variant in disease. Therefore, it has been classified as a Variant of Uncertain Significance.

Ambry Genetics
Classification: Uncertain significance for Inborn genetic diseases. Last evaluated: 2025-05-14. Review status: criteria provided, single submitter. Criteria: Ambry Variant Classification Scheme 2023. Collection method: clinical testing. Allele origin: germline.

CeGaT Center for Human Genetics Tuebingen
Classification: Likely benign. Last evaluated: 2023-05-01. Review status: criteria provided, single submitter. Criteria: CeGaT Center For Human Genetics Tuebingen Variant Classification Criteria Version 2. Collection method: clinical testing. Allele origin: germline. Affected: yes. Observed: 1 variant allele.
Comment: VARS2: BP4

GeneDx
Classification: Uncertain significance. Last evaluated: 2022-09-02. Review status: criteria provided, single submitter. Criteria: GeneDx Variant Classification Process June 2021. Collection method: clinical testing. Allele origin: germline. Affected: yes.
Comment: Has not been previously published as pathogenic or benign to our knowledge